The following is an entry in ClinVar:

NM_022893.4(BCL11A):c.1118dup (p.Val374fs)

Gene: BCL11A (BCL11 transcription factor A; minus strand). Cytogenetic location: 2p16.1.
Variant type: Duplication.
Coding change: c.1118dup on transcript NM_022893.4 (MANE Select); coding-DNA position 1118, one base duplicated (C; older notation c.1118dupC).
Protein change: p.Val374fs; shifts the reading frame from valine 374.
Molecular consequence: frameshift variant. On other transcripts: intron variant (1).
Genome position (GRCh38, 1-based): chr2:60,461,794, G duplicated on the plus strand (C on the coding strand, the reverse complement: BCL11A is on the minus strand); the first of 5 consecutive G bases (chr2:60,461,794-60,461,798); duplicating any one gives the same sequence. VCF-style (leftmost placement, unchanged base first): chr2-60461793-C-CG. GRCh37 (hg19) VCF-style: chr2-60688928-C-CG.
Other names: c.1016dup, p.Val340fs (NM_001363864.1, NM_001365609.1); c.1118dup, p.Val374fs (NM_018014.4); c.630+488dup (NM_138559.2); c.1118dup (NM_022893.3); short protein forms V340fs, V374fs.
Identifiers: ClinVar variation 1334760 (VCV001334760.6), dbSNP rs2103850595, ClinGen allele CA2573052000.

ClinVar aggregate classification (germline): Pathogenic. Review status: criteria provided, multiple submitters, no conflicts (2 of 4 stars). 2 submissions from 2 submitters: Pathogenic (2). Last evaluated 2025-03-28.

Conditions:
Dias-Logan syndrome. Also called: INTELLECTUAL DEVELOPMENTAL DISORDER WITH HEREDITARY PERSISTENCE OF FETAL HEMOGLOBIN; Intellectual developmental disorder with persistence of fetal hemoglobin. Identifiers: Orphanet 619233, MedGen C4310833, MONDO:0014914, OMIM 617101.

Submissions (2):

GeneDx
Classification: Pathogenic. Last evaluated: 2025-03-28. Review status: criteria provided, single submitter. Criteria: GeneDx Variant Classification Process June 2021. Collection method: clinical testing. Allele origin: germline.
Comment: Identified in a patient belonging to a cohort of patients with developmental disorders in published literature (PMID: 33057194); Frameshift variant predicted to result in abnormal protein length as the last 462 amino acid(s) are replaced with 197 different amino acid(s), and other similar variants have been reported in HGMD; Not observed at significant frequency in large population cohorts (gnomAD); This variant is associated with the following publications: (PMID: 35982159, 33057194)

Greenwood Genetic Center Diagnostic Laboratories, Greenwood Genetic Center
Classification: Pathogenic for Dias-Logan syndrome. Last evaluated: 2021-05-25. Review status: criteria provided, single submitter. Criteria: ACMG Guidelines, 2015. Collection method: clinical testing. Allele origin: germline. Affected: yes.
Comment: PVS1, PS2, PM2